The following is an entry in ClinVar:

ClinVar aggregate classification (germline): Likely benign. Review status: criteria provided, multiple submitters, no conflicts (2 of 4 stars). 2 submissions from 2 submitters: Likely benign (2). Last evaluated 2026-06-05.

Conditions:
Hereditary pheochromocytoma and paraganglioma. Also called: Hereditary pheochromocytoma-paraganglioma; Hereditary Paraganglioma-Pheochromocytoma Syndromes; Hereditary paragangliomas and pheochromocytomas. Identifiers: Orphanet 29072, MedGen C4274332, MONDO:0017366.
Pheochromocytoma. Also called: MAX-Related Hereditary Paraganglioma-Pheochromocytoma Syndrome. Identifiers: Orphanet 29072, MedGen C0031511, MONDO:0008233, OMIM 171300, HP:0002666.

Allele frequency attached by ClinVar (database versions not stated): gnomAD exomes 0.00002 and 0.00001; ExAC 0.00002; TOPMed 0.00001.
gnomAD v4.1: 12 of 1,609,256 alleles (0.00075%); highest among the groups gnomAD compares: Non-Finnish European, 0.001%; no homozygotes.

Submissions (2):

Myriad Genetics, Inc.
Classification: Likely benign for Pheochromocytoma. Last evaluated: 2026-06-05. Review status: criteria provided, single submitter. Criteria: Myriad Autosomal Dominant, Autosomal Recessive and X-Linked Classification Criteria (2023). Collection method: clinical testing. Allele origin: unknown.
Comment: This variant is considered likely benign. This variant is intronic and is not expected to impact mRNA splicing.

Labcorp Genetics (formerly Invitae), Labcorp
Classification: Likely benign for Hereditary pheochromocytoma and paraganglioma. Last evaluated: 2025-11-16. Review status: criteria provided, single submitter. Criteria: Invitae Variant Classification Sherloc (09022015). Collection method: clinical testing. Allele origin: germline.

NM_002382.5(MAX):c.63+8T>C

Gene: MAX (MYC associated transcriptional regulator X; minus strand). Cytogenetic location: 14q23.3.
Variant type: single nucleotide variant.
Coding change: c.63+8T>C on transcript NM_002382.5 (MANE Select); 8 bases into the intron after coding-DNA position 63, T replaced by C.
Molecular consequence: intron variant.
Genome position (GRCh38, 1-based): chr14:65,101,538, A>G on the plus strand (T>C on the coding strand, the complement: MAX is on the minus strand). VCF-style: chr14-65101538-A-G. GRCh37 (hg19) VCF-style: chr14-65568256-A-G.
Other names: c.36+766T>C (NM_001271069.2, NM_145112.3, NM_001271068.2); c.63+8T>C (NM_197957.4, NM_145113.3, NM_145114.3); c.-212+8T>C (NM_001320415.2).
Identifiers: ClinVar variation 412779 (VCV000412779.12), dbSNP rs776724315, ClinGen allele CA7232990.